The following is an entry in ClinVar:

ClinVar aggregate classification (germline): Uncertain significance (1 of 4 stars; one submission).

Submission:

Labcorp Genetics (formerly Invitae), Labcorp
Classification: Uncertain significance. Last evaluated: 2025-09-02. Review status: criteria provided, single submitter. Criteria: Invitae Variant Classification Sherloc (09022015). Collection method: clinical testing. Allele origin: germline.
Comment: This sequence change replaces threonine, which is neutral and polar, with isoleucine, which is neutral and non-polar, at codon 583 of the SNRNP200 protein (p.Thr583Ile). This variant is not present in population databases (gnomAD no frequency). This variant has not been reported in the literature in individuals affected with SNRNP200-related conditions. Invitae Evidence Modeling of protein sequence and biophysical properties (such as structural, functional, and spatial information, amino acid conservation, physicochemical variation, residue mobility, and thermodynamic stability) has been performed for this missense variant. However, the output from this modeling did not meet the statistical confidence thresholds required to predict the impact of this variant on SNRNP200 protein function. In summary, the available evidence is currently insufficient to determine the role of this variant in disease. Therefore, it has been classified as a Variant of Uncertain Significance.

NM_014014.5(SNRNP200):c.1748C>T (p.Thr583Ile)

Gene: SNRNP200 (small nuclear ribonucleoprotein U5 subunit 200; minus strand). Cytogenetic location: 2q11.2.
Variant type: single nucleotide variant.
Coding change: c.1748C>T on transcript NM_014014.5 (MANE Select); coding-DNA position 1748, C replaced by T.
Protein change: p.Thr583Ile; replaces threonine 583 with isoleucine.
Molecular consequence: missense variant.
Genome position (GRCh38, 1-based): chr2:96,295,582, G>A on the plus strand (C>T on the coding strand, the complement: SNRNP200 is on the minus strand). VCF-style: chr2-96295582-G-A. GRCh37 (hg19) VCF-style: chr2-96961320-G-A.
Other names: short protein forms T583I.
Identifiers: ClinVar variation 4746944 (VCV004746944.1).